The following is an entry in ClinVar:

ClinVar aggregate classification (germline): Conflicting classifications of pathogenicity. Review status: criteria provided, conflicting classifications (1 of 4 stars). 3 submissions from 3 submitters: Uncertain significance (2); Likely benign (1). Last evaluated 2024-10-15.

Conditions:
Inborn genetic diseases. Identifiers: MedGen C0950123, MeSH D030342.
Charcot-Marie-Tooth disease type 4. Also called: Charcot-Marie-Tooth, Type 4; Charcot-Marie-Tooth disease, type IV. Identifiers: Orphanet 64749, MedGen C4082197, MONDO:0018995.

Allele frequency attached by ClinVar (database versions not stated): TOPMed 0.00002; gnomAD 0.00003 and 0.00004; 1000 Genomes Project 30x 0.00016; 1000 Genomes Project 0.00020.
gnomAD v4.1: 86 of 1,614,056 alleles (0.0053%); highest among the groups gnomAD compares: South Asian, 0.013%; no homozygotes.

Submissions (3):

Labcorp Genetics (formerly Invitae), Labcorp
Classification: Uncertain significance for Charcot-Marie-Tooth disease type 4. Last evaluated: 2024-10-15. Review status: criteria provided, single submitter. Criteria: Invitae Variant Classification Sherloc (09022015). Collection method: clinical testing. Allele origin: germline.
Comment: This sequence change replaces arginine, which is basic and polar, with cysteine, which is neutral and slightly polar, at codon 89 of the SH3TC2 protein (p.Arg89Cys). This variant is present in population databases (rs142488510, gnomAD 0.02%). This variant has not been reported in the literature in individuals affected with SH3TC2-related conditions. ClinVar contains an entry for this variant (Variation ID: 845710). Invitae Evidence Modeling of protein sequence and biophysical properties (such as structural, functional, and spatial information, amino acid conservation, physicochemical variation, residue mobility, and thermodynamic stability) indicates that this missense variant is not expected to disrupt SH3TC2 protein function with a negative predictive value of 95%. In summary, the available evidence is currently insufficient to determine the role of this variant in disease. Therefore, it has been classified as a Variant of Uncertain Significance.

Ambry Genetics
Classification: Likely benign for Inborn genetic diseases. Last evaluated: 2024-01-04. Review status: criteria provided, single submitter. Criteria: Ambry Variant Classification Scheme 2023. Collection method: clinical testing. Allele origin: germline.

GeneDx
Classification: Uncertain significance. Last evaluated: 2019-04-02. Review status: criteria provided, single submitter. Criteria: GeneDx Variant Classification Process June 2021. Collection method: clinical testing. Allele origin: germline. Affected: yes.
Comment: In silico analysis, which includes protein predictors and evolutionary conservation, supports that this variant does not alter protein structure/function; Has not been previously published as pathogenic or benign to our knowledge

NM_024577.4(SH3TC2):c.265C>T (p.Arg89Cys)

Gene: SH3TC2 (SH3 domain and tetratricopeptide repeats 2; minus strand). Cytogenetic location: 5q32.
Variant type: single nucleotide variant.
Coding change: c.265C>T on transcript NM_024577.4 (MANE Select); coding-DNA position 265, C replaced by T.
Protein change: p.Arg89Cys; replaces arginine 89 with cysteine.
Molecular consequence: missense variant.
Genome position (GRCh38, 1-based): chr5:149,047,876, G>A on the plus strand (C>T on the coding strand, the complement: SH3TC2 is on the minus strand). VCF-style: chr5-149047876-G-A. GRCh37 (hg19) VCF-style: chr5-148427439-G-A.
Other names: short protein forms R89C.
Identifiers: ClinVar variation 845710 (VCV000845710.13), dbSNP rs142488510, ClinGen allele CA3499583.